The following is an entry in ClinVar:

ClinVar aggregate classification (germline): Likely benign. Review status: criteria provided, multiple submitters, no conflicts (2 of 4 stars). 2 submissions from 2 submitters: Likely benign (2). Last evaluated 2026-07-01.

Conditions:
Chédiak-Higashi syndrome (CHS). Also called: Chediak-Higashi Syndrome. Identifiers: Orphanet 167, MedGen C0007965, MONDO:0008963, OMIM 214500.

Allele frequency attached by ClinVar (database versions not stated): gnomAD 0.00001; TOPMed 0.00002.
gnomAD v4.1: 8 of 1,595,282 alleles (0.0005%); highest among the groups gnomAD compares: Non-Finnish European, 0.00043%; no homozygotes.

Submissions (2):

CeGaT Center for Human Genetics Tuebingen
Classification: Likely benign. Last evaluated: 2026-07-01. Review status: criteria provided, single submitter. Criteria: CeGaT Center For Human Genetics Tuebingen Variant Classification Criteria Version 2. Collection method: clinical testing. Allele origin: germline. Affected: yes. Observed: 1 variant allele.
Comment: LYST: BP4, BP7

Labcorp Genetics (formerly Invitae), Labcorp
Classification: Likely benign for Chédiak-Higashi syndrome. Last evaluated: 2025-08-14. Review status: criteria provided, single submitter. Criteria: Invitae Variant Classification Sherloc (09022015). Collection method: clinical testing. Allele origin: germline.

NM_000081.4(LYST):c.3966G>C (p.Gly1322=)

Gene: LYST (lysosomal trafficking regulator; minus strand). Cytogenetic location: 1q42.3.
Variant type: single nucleotide variant.
Coding change: c.3966G>C on transcript NM_000081.4 (MANE Select); coding-DNA position 3966, G replaced by C.
Protein change: p.Gly1322=; no amino-acid change (glycine 1322 retained).
Molecular consequence: synonymous variant.
Genome position (GRCh38, 1-based): chr1:235,800,360, C>G on the plus strand (G>C on the coding strand, the complement: LYST is on the minus strand). VCF-style: chr1-235800360-C-G. GRCh37 (hg19) VCF-style: chr1-235963660-C-G.
Other names: c.3966G>C, p.Gly1322= (NM_001301365.1).
Identifiers: ClinVar variation 1140937 (VCV001140937.9), dbSNP rs996844844, ClinGen allele CA39613284.
Genomic context (GRCh38, chr1:235,800,360, plus strand): 5'-TTAAAACAGTTTCAACTTACCTTGAAAATCAGAATCATCCTGTGTTAAAATACTCAAGAA[C>G]CCTCCTAAAAGATTTTTCACAGTTCCCTGAAGATTAAAAAAAATACAAAATTAAATTACT-3'
Protein context (NP_000072.2, residues 1312-1332): QQGTVKNLLG[Gly1322=]FLSILTQDDS